The following is an entry in ClinVar:

NM_006929.5(SKIC2):c.991G>A (p.Ala331Thr)

Genes: SKIC2 (SKI2 subunit of superkiller complex; plus strand), LOC126859653 (CDK7 strongly-dependent group 2 enhancer GRCh37_chr6:31929542-31930741; plus strand). Cytogenetic location: 6p21.33.
Variant type: single nucleotide variant.
Coding change: c.991G>A on transcript NM_006929.5 (MANE Select); coding-DNA position 991, G replaced by A.
Protein change: p.Ala331Thr; replaces alanine 331 with threonine.
Molecular consequence: missense variant.
Genome position (GRCh38, 1-based): chr6:31,961,981, G>A. VCF-style: chr6-31961981-G-A. GRCh37 (hg19) VCF-style: chr6-31929758-G-A.
Other names: c.991G>A (NM_006929.4); short protein forms A331T.
Identifiers: ClinVar variation 1512467 (VCV001512467.4), dbSNP rs764097192, ClinGen allele CA3729315.

ClinVar aggregate classification (germline): Uncertain significance. Review status: criteria provided, multiple submitters, no conflicts (2 of 4 stars). 2 submissions from 2 submitters: Uncertain significance (2). Last evaluated 2022-11-01.

Allele frequency attached by ClinVar (database versions not stated): gnomAD 0.00007 and 0.00009; gnomAD exomes 0.00008 and 0.00012; ExAC 0.00011; TOPMed 0.00014.
gnomAD v4.1: 142 of 1,612,742 alleles (0.0088%); highest among the groups gnomAD compares: Admixed American, 0.045%; no homozygotes.

Submissions (2):

GeneDx
Classification: Uncertain significance. Last evaluated: 2022-11-01. Review status: criteria provided, single submitter. Criteria: GeneDx Variant Classification Process June 2021. Collection method: clinical testing. Allele origin: germline. Affected: yes.
Comment: In silico analysis supports that this missense variant has a deleterious effect on protein structure/function; Has not been previously published as pathogenic or benign to our knowledge

Labcorp Genetics (formerly Invitae), Labcorp
Classification: Uncertain significance. Last evaluated: 2022-09-13. Review status: criteria provided, single submitter. Criteria: Invitae Variant Classification Sherloc (09022015). Collection method: clinical testing. Allele origin: germline.
Comment: This sequence change replaces alanine, which is neutral and non-polar, with threonine, which is neutral and polar, at codon 331 of the SKIV2L protein (p.Ala331Thr). This variant is present in population databases (rs764097192, gnomAD 0.04%). This variant has not been reported in the literature in individuals affected with SKIV2L-related conditions. ClinVar contains an entry for this variant (Variation ID: 1512467). Algorithms developed to predict the effect of missense changes on protein structure and function are either unavailable or do not agree on the potential impact of this missense change (SIFT: "Deleterious"; PolyPhen-2: "Probably Damaging"; Align-GVGD: "Class C0"). In summary, the available evidence is currently insufficient to determine the role of this variant in disease. Therefore, it has been classified as a Variant of Uncertain Significance.